The following is an entry in ClinVar:

NM_001199107.2(TBC1D24):c.1360_1363dup (p.Pro455fs)

Gene: TBC1D24 (TBC1 domain family member 24; plus strand). Cytogenetic location: 16p13.3.
Variant type: Duplication.
Coding change: c.1360_1363dup on transcript NM_001199107.2 (MANE Select); coding-DNA positions 1360 to 1363, 4 bases duplicated (AAGC; older notation c.1360_1363dupAAGC).
Protein change: p.Pro455fs; shifts the reading frame from proline 455.
Molecular consequence: frameshift variant.
Genome position (GRCh38, 1-based): chr16:2,500,325-2,500,328, AAGC duplicated; duplicating any 4 consecutive bases within chr16:2,500,324-2,500,328 gives the same sequence; the c. name uses the placement nearest the transcript's 3' end. VCF-style (leftmost placement, unchanged base first): chr16-2500323-C-CCAAG. GRCh37 (hg19) VCF-style: chr16-2550324-C-CCAAG.
Other names: c.1360_1363dup (NM_001199107.1); c.1342_1345dup, p.Pro449fs (NM_020705.3); short protein forms P455fs, P449fs.
Identifiers: ClinVar variation 421795 (VCV000421795.10), dbSNP rs1292551263, ClinGen allele CA16620171.

ClinVar aggregate classification (germline): Pathogenic/Likely pathogenic. Review status: criteria provided, multiple submitters, no conflicts (2 of 4 stars). 4 submissions from 4 submitters: Pathogenic (1); Likely pathogenic (3). Last evaluated 2025-11-23.

Conditions:
Autosomal dominant nonsyndromic hearing loss 65. Also called: TBC1D24-Related Autosomal Dominant Nonsyndromic Hearing Loss (DFNA); Deafness, autosomal dominant 65. Identifiers: Orphanet 90635, MedGen C3892048, MONDO:0014470, OMIM 616044.
Autosomal recessive nonsyndromic hearing loss 86 (DFNB86). Also called: Deafness , autosomal recessive 86; TBC1D24-Related Autosomal Recessive Nonsyndromic Hearing Loss (DFNB). Identifiers: Orphanet 90636, MedGen C2829265, MONDO:0013826, OMIM 614617.
Rolandic epilepsy-paroxysmal exercise-induced dystonia-writer's cramp syndrome. Also called: RE-PED-WC; TBC1D24-Related Rolandic Epilepsy with Paroxysmal Exercise-Induced Dystonia and Writer's Cramp (EPRPDC). Identifiers: Orphanet 163727, MedGen C1842531, MONDO:0011970, OMIM 608105.
Developmental and epileptic encephalopathy, 16 (DEE16). Also called: Early infantile epileptic encephalopathy 16; TBC1D24-Related Developmental and Epileptic Encephalopathy (DEE). Identifiers: Orphanet 293181, Orphanet 352596, MedGen C3809173, MONDO:0014133, OMIM 615338.
Familial infantile myoclonic epilepsy (FIME). Also called: TBC1D24-Related Familial Infantile Myoclonic Epilepsy (FIME); Epilepsy, Myoclonic, Infantile. Identifiers: Orphanet 352582, MedGen C0917800, MONDO:0011506, OMIM 605021.
DOORS syndrome (DOORS). Also called: DRC SYNDROME; BRACHYDACTYLY DUE TO ABSENCE OF DISTAL PHALANGES; ERONEN SYNDROME; DOOR SYNDROME; DEAFNESS, ONYCHODYSTROPHY, OSTEODYSTROPHY, IMPAIRED INTELLECTUAL DEVELOPMENT, AND SEIZURES SYNDROME; Digitorenocerebral syndrome. Identifiers: Orphanet 3231, Orphanet 79500, MedGen C0795934, MONDO:0009079, OMIM 220500. Disease mechanism: loss of function.
Developmental and epileptic encephalopathy, 1 (DEE1). Also called: X-linked infantile spasms; West's syndrome; Tonic spasms with clustering, arrest of psychomotor development and hypsarrhythmia on EEG; X-Linked Infantile Spasm Syndrome; INFANTILE SPASM SYNDROME, X-LINKED 1; OHTAHARA SYNDROME, X-LINKED. Identifiers: MedGen C3463992, MONDO:0010632, OMIM 308350. Disease mechanism: loss of function.
TBC1D24-related disorder. Also called: TBC1D24-related condition; TBC1D24-related disorders. Identifiers: MedGen CN381194.

Submissions (4):

PreventionGenetics, part of Exact Sciences
Classification: Likely pathogenic for TBC1D24-related condition. Last evaluated: 2025-11-23. Review status: criteria provided, single submitter. Criteria: ACMG Guidelines, 2015. Collection method: clinical testing. Allele origin: germline.
Comment: The TBC1D24 c.1360_1363dupAAGC variant is predicted to result in a frameshift and premature protein termination (p.Pro455Glnfs*24). To our knowledge, this variant has not been reported in the literature. This variant is reported in 0.040% of alleles in individuals of Ashkenazi Jewish descent in gnomAD. Frameshift variants in TBC1D24 are expected to be pathogenic. This variant is interpreted as likely pathogenic.

Labcorp Genetics (formerly Invitae), Labcorp
Classification: Pathogenic for Developmental and epileptic encephalopathy, 1; Autosomal dominant nonsyndromic hearing loss 65. Last evaluated: 2025-04-16. Review status: criteria provided, single submitter. Criteria: Invitae Variant Classification Sherloc (09022015). Collection method: clinical testing. Allele origin: germline.
Comment: This sequence change creates a premature translational stop signal (p.Pro455Glnfs*24) in the TBC1D24 gene. It is expected to result in an absent or disrupted protein product. Loss-of-function variants in TBC1D24 are known to be pathogenic (PMID: 23526554, 24291220). This variant is present in population databases (no rsID available, gnomAD 0.04%). This variant has not been reported in the literature in individuals affected with TBC1D24-related conditions. ClinVar contains an entry for this variant (Variation ID: 421795). For these reasons, this variant has been classified as Pathogenic.

GeneDx
Classification: Likely pathogenic. Last evaluated: 2024-09-26. Review status: criteria provided, single submitter. Criteria: GeneDx Variant Classification Process June 2021. Collection method: clinical testing. Allele origin: germline. Affected: yes.
Comment: Frameshift variant predicted to result in protein truncation or nonsense mediated decay in a gene for which loss of function is a known mechanism of disease; Has not been previously published as pathogenic or benign to our knowledge

Fulgent Genetics
Classification: Likely pathogenic for DOORS syndrome; Familial infantile myoclonic epilepsy; Rolandic epilepsy-paroxysmal exercise-induced dystonia-writer's cramp syndrome; Autosomal recessive nonsyndromic hearing loss 86; Developmental and epileptic encephalopathy, 16; Autosomal dominant nonsyndromic hearing loss 65. Last evaluated: 2021-07-16. Review status: criteria provided, single submitter. Criteria: ACMG Guidelines, 2015. Collection method: clinical testing. Allele origin: unknown.

Literature cited by the submitters: PubMed 23526554 (cited by Labcorp Genetics (formerly Invitae), Labcorp); PubMed 24291220 (cited by Labcorp Genetics (formerly Invitae), Labcorp).